The following is an entry in ClinVar:

NM_022765.4(MICAL1):c.2116G>A (p.Val706Ile)

Gene: MICAL1 (microtubule associated monooxygenase, calponin and LIM domain containing 1; minus strand). Cytogenetic location: 6q21.
Variant type: single nucleotide variant.
Coding change: c.2116G>A on transcript NM_022765.4 (MANE Select); coding-DNA position 2116, G replaced by A.
Protein change: p.Val706Ile; replaces valine 706 with isoleucine.
Molecular consequence: missense variant.
Genome position (GRCh38, 1-based): chr6:109,447,184, C>T on the plus strand (G>A on the coding strand, the complement: MICAL1 is on the minus strand). VCF-style: chr6-109447184-C-T. GRCh37 (hg19) VCF-style: chr6-109768387-C-T.
Other names: c.1858G>A, p.Val620Ile (NM_001159291.2); c.2173G>A, p.Val725Ile (NM_001286613.2); c.2116G>A (NM_022765.3); short protein forms V706I, V620I, V725I.
Identifiers: ClinVar variation 2071303 (VCV002071303.5), dbSNP rs368697503, ClinGen allele CA3953056.

ClinVar aggregate classification (germline): Conflicting classifications of pathogenicity. Review status: criteria provided, conflicting classifications (1 of 4 stars). 2 submissions from 2 submitters: Uncertain significance (1); Likely benign (1). Last evaluated 2025-01-11.

Allele frequency attached by ClinVar (database versions not stated): ESP Exome Variant Server 0.00015; TOPMed below 0.00001; ExAC 0.00002; gnomAD 0.00001; gnomAD exomes 0.00001.
gnomAD v4.1: 9 of 1,614,040 alleles (0.00056%); highest among the groups gnomAD compares: Non-Finnish European, 0.00076%; no homozygotes.

Submissions (2):

Labcorp Genetics (formerly Invitae), Labcorp
Classification: Uncertain significance. Last evaluated: 2025-01-11. Review status: criteria provided, single submitter. Criteria: Invitae Variant Classification Sherloc (09022015). Collection method: clinical testing. Allele origin: germline.
Comment: This sequence change replaces valine, which is neutral and non-polar, with isoleucine, which is neutral and non-polar, at codon 725 of the MICAL1 protein (p.Val725Ile). This variant is present in population databases (rs368697503, gnomAD 0.003%). This variant has not been reported in the literature in individuals affected with MICAL1-related conditions. ClinVar contains an entry for this variant (Variation ID: 2071303). An algorithm developed to predict the effect of missense changes on protein structure and function outputs the following: PolyPhen-2: "Benign". The isoleucine amino acid residue is found in multiple mammalian species, which suggests that this missense change does not adversely affect protein function. In summary, the available evidence is currently insufficient to determine the role of this variant in disease. Therefore, it has been classified as a Variant of Uncertain Significance.

Ambry Genetics
Classification: Likely benign. Last evaluated: 2024-03-01. Review status: criteria provided, single submitter. Criteria: Ambry Variant Classification Scheme 2023. Collection method: clinical testing. Allele origin: germline.